The following is an entry in ClinVar:

ClinVar aggregate classification (germline): Likely pathogenic (1 of 4 stars; one submission).

Conditions:
Papillon-Lefèvre syndrome (PALS). Also called: Papillon-Lefevre Disease; KERATOSIS PALMOPLANTARIS WITH PERIODONTOPATHIA. Identifiers: Orphanet 678, MedGen C0030360, MONDO:0009490, OMIM 245000.

gnomAD v4.1: 1 of 1,614,102 alleles (0.000062%); highest among the groups gnomAD compares: Non-Finnish European, 0.000085%; no homozygotes.

Submission:

Clinical Genetics Laboratory, Skane University Hospital Lund
Classification: Likely pathogenic for Papillon-Lefèvre syndrome. Last evaluated: 2026-09-03. Review status: criteria provided, single submitter. Criteria: ACMG Guidelines, 2015. Collection method: clinical testing. Allele origin: germline. Affected: yes.
Comment: ACMG criteria used: PM2, PM3_Supporting, PP1_Moderate, PP3

NM_001814.6(CTSC):c.993C>G (p.Cys331Trp)

Gene: CTSC (cathepsin C; minus strand). Cytogenetic location: 11q14.2.
Variant type: single nucleotide variant.
Coding change: c.993C>G on transcript NM_001814.6 (MANE Select); coding-DNA position 993, C replaced by G.
Protein change: p.Cys331Trp; replaces cysteine 331 with tryptophan.
Molecular consequence: missense variant.
Genome position (GRCh38, 1-based): chr11:88,294,405, G>C on the plus strand (C>G on the coding strand, the complement: CTSC is on the minus strand). VCF-style: chr11-88294405-G-C. GRCh37 (hg19) VCF-style: chr11-88027573-G-C.
Other names: short protein forms C331W.
Identifiers: ClinVar variation 5021107 (VCV005021107.1).